The following is an entry in ClinVar:

NM_002180.3(IGHMBP2):c.2209A>G (p.Met737Val)

Gene: IGHMBP2 (immunoglobulin mu DNA binding protein 2; plus strand). Cytogenetic location: 11q13.3.
Variant type: single nucleotide variant.
Coding change: c.2209A>G on transcript NM_002180.3 (MANE Select); coding-DNA position 2209, A replaced by G.
Protein change: p.Met737Val; replaces methionine 737 with valine.
Molecular consequence: missense variant.
Genome position (GRCh38, 1-based): chr11:68,936,689, A>G. VCF-style: chr11-68936689-A-G. GRCh37 (hg19) VCF-style: chr11-68704157-A-G.
Other names: short protein forms M737V.
Identifiers: ClinVar variation 1374817 (VCV001374817.8), dbSNP rs1042285874, ClinGen allele CA223413489.
Genomic context (GRCh38, chr11:68,936,689, plus strand): 5'-CCAGAGGGAGTGGAGAGCCAAGATGGCGTGGACCACTTCCGGGCCATGATAGTGGAGTTC[A>G]TGGCCAGCAAGAAGATGCAGTTGGAGTTTCCTCCTTCCCTCAATTCCCACGACAGGCTGC-3'
Protein context (NP_002171.2, residues 727-747): DHFRAMIVEF[Met737Val]ASKKMQLEFP

ClinVar aggregate classification (germline): Uncertain significance (1 of 4 stars; one submission).

Conditions:
Charcot-Marie-Tooth disease axonal type 2S. Also called: CHARCOT-MARIE-TOOTH NEUROPATHY, TYPE 2S; CHARCOT-MARIE-TOOTH DISEASE, AXONAL, AUTOSOMAL RECESSIVE, TYPE 2S. Identifiers: Orphanet 443073, MedGen C4015349, MONDO:0014511, OMIM 616155.
Autosomal recessive distal spinal muscular atrophy 1. Also called: NEURONOPATHY, SEVERE INFANTILE AXONAL, WITH RESPIRATORY FAILURE; SEVERE INFANTILE AXONAL NEUROPATHY WITH RESPIRATORY FAILURE; SPINAL MUSCULAR ATROPHY, DIAPHRAGMATIC; HMN VI; Spinal muscular atrophy with respiratory distress 1; NEURONOPATHY, DISTAL HEREDITARY MOTOR, HARDING TYPE VI. Identifiers: Orphanet 98920, MedGen C1858517, MONDO:0011436, OMIM 604320.

Allele frequency attached by ClinVar (database versions not stated): gnomAD exomes below 0.00001; TOPMed below 0.00001.
gnomAD v4.1: 1 of 1,614,080 alleles (0.000062%); highest among the groups gnomAD compares: South Asian, 0.0011%; no homozygotes.

Submission:

Labcorp Genetics (formerly Invitae), Labcorp
Classification: Uncertain significance for Autosomal recessive distal spinal muscular atrophy 1; Charcot-Marie-Tooth disease axonal type 2S. Last evaluated: 2021-05-02. Review status: criteria provided, single submitter. Criteria: Invitae Variant Classification Sherloc (09022015). Collection method: clinical testing. Allele origin: germline.
Comment: This variant has not been reported in the literature in individuals with IGHMBP2-related conditions. This variant is not present in population databases (ExAC no frequency). This sequence change replaces methionine with valine at codon 737 of the IGHMBP2 protein (p.Met737Val). The methionine residue is weakly conserved and there is a small physicochemical difference between methionine and valine. Advanced modeling of protein sequence and biophysical properties (such as structural, functional, and spatial information, amino acid conservation, physicochemical variation, residue mobility, and thermodynamic stability) performed at Invitae indicates that this missense variant is not expected to disrupt IGHMBP2 protein function. In summary, the available evidence is currently insufficient to determine the role of this variant in disease. Therefore, it has been classified as a Variant of Uncertain Significance.